The following is an entry in ClinVar:

NM_002890.3(RASA1):c.384C>T (p.Leu128=)

Gene: RASA1 (RAS p21 protein activator 1; plus strand). Cytogenetic location: 5q14.3.
Variant type: single nucleotide variant.
Coding change: c.384C>T on transcript NM_002890.3 (MANE Select); coding-DNA position 384, C replaced by T.
Protein change: p.Leu128=; no amino-acid change (leucine 128 retained).
Molecular consequence: synonymous variant.
Genome position (GRCh38, 1-based): chr5:87,268,835, C>T. VCF-style: chr5-87268835-C-T. GRCh37 (hg19) VCF-style: chr5-86564652-C-T.
Other names: p.Leu128=.
Identifiers: ClinVar variation 464867 (VCV000464867.17), dbSNP rs34385096, ClinGen allele CA3335419.
Genomic context (GRCh38, chr5:87,268,835, plus strand): 5'-TGGACCTAGTGGAGACATGGCTCTCACCAAACTGCCCACTTCGTTGCTTGCTGAGACTCT[C>T]GGGCCAGGCGGCGGTTTTCCCCCTCTGCCCCCTCCCCCTTACCTGCCCCCTTTGGGGGCG-3'
Protein context (NP_002881.1, residues 118-138): KLPTSLLAET[Leu128=]GPGGGFPPLP

ClinVar aggregate classification (germline): Benign/Likely benign. Review status: criteria provided, multiple submitters, no conflicts (2 of 4 stars). 5 submissions from 5 submitters: Benign (2); Likely benign (2). 1 of the submissions does not count toward it. Last evaluated 2026-01-26.

Conditions:
Capillary malformation-arteriovenous malformation syndrome. Also called: Capillary malformation-arteriovenous malformation. Identifiers: Orphanet 137667, MedGen C1842180, MONDO:0012016.
Cardiovascular phenotype. Identifiers: MedGen CN230736.
RASA1-related disorder. Also called: RASA1-related condition.

Allele frequency attached by ClinVar (database versions not stated): gnomAD exomes 0.00036; ExAC 0.00042; 1000 Genomes Project 0.00080; gnomAD 0.00114 and 0.00121; 1000 Genomes Project 30x 0.00125; TOPMed 0.00135; ESP Exome Variant Server 0.00177.
gnomAD v4.1: 354 of 1,614,122 alleles (0.022%); highest among the groups gnomAD compares: African/African-American, 0.43%; 2 homozygotes.

Submissions (5):

Labcorp Genetics (formerly Invitae), Labcorp
Classification: Benign for Capillary malformation-arteriovenous malformation syndrome. Last evaluated: 2026-01-26. Review status: criteria provided, single submitter. Criteria: Invitae Variant Classification Sherloc (09022015). Collection method: clinical testing. Allele origin: germline.

Blueprint Genetics
Classification: Likely benign. Last evaluated: 2024-07-09. Review status: criteria provided, single submitter. Criteria: ACMG Guidelines, 2015. Collection method: clinical testing. Allele origin: germline.

Mayo Clinic Laboratories, Mayo Clinic
Classification: Benign. Last evaluated: 2023-08-28. Review status: criteria provided, single submitter. Criteria: ACMG Guidelines, 2015. Collection method: clinical testing. Allele origin: germline. Observed: 2 variant alleles.
Comment: BS1, BS2, BP4, BP7

Ambry Genetics
Classification: Likely benign for Cardiovascular phenotype. Last evaluated: 2022-02-11. Review status: criteria provided, single submitter. Criteria: Ambry Variant Classification Scheme 2023. Collection method: clinical testing. Allele origin: germline.

PreventionGenetics, part of Exact Sciences
Classification: Benign for RASA1-related condition. Last evaluated: 2019-02-25. Review status: no assertion criteria provided. Collection method: clinical testing. Allele origin: germline. Not counted in ClinVar's aggregate classification.
Comment: This variant is classified as benign based on ACMG/AMP sequence variant interpretation guidelines (Richards et al. 2015 PMID: 25741868, with internal and published modifications).